The following is an entry in ClinVar:

NM_133261.3(GIPC3):c.281dup (p.Gln95fs)

Gene: GIPC3 (GIPC PDZ domain containing family member 3; plus strand). Cytogenetic location: 19p13.3.
Variant type: Duplication.
Coding change: c.281dup on transcript NM_133261.3 (MANE Select); coding-DNA position 281, one base duplicated (G; older notation c.281dupG).
Protein change: p.Gln95fs; shifts the reading frame from glutamine 95.
Molecular consequence: frameshift variant.
Genome position (GRCh38, 1-based): chr19:3,586,550, G duplicated; the last of 6 consecutive G bases (chr19:3,586,545-3,586,550); duplicating any one gives the same sequence. VCF-style (leftmost placement, unchanged base first): chr19-3586544-T-TG. GRCh37 (hg19) VCF-style: chr19-3586542-T-TG.
Other names: c.281dup, p.Gln95fs (NM_001411144.1); short protein forms Q95fs.
Identifiers: ClinVar variation 3601136 (VCV003601136.1).

ClinVar aggregate classification (germline): Likely pathogenic (1 of 4 stars; one submission).

Conditions:
Autosomal recessive nonsyndromic hearing loss 15. Also called: DEAFNESS, AUTOSOMAL RECESSIVE 72; DEAFNESS, AUTOSOMAL RECESSIVE 15; DEAFNESS, AUTOSOMAL RECESSIVE 95. Identifiers: Orphanet 90636, MedGen C1866094, MONDO:0011160, OMIM 601869.

Submission:

Institute of Rare Diseases, West China Hospital, Sichuan University
Classification: Likely pathogenic for Autosomal recessive nonsyndromic hearing loss 15. Last evaluated: 2025-01-09. Review status: criteria provided, single submitter. Criteria: ClinGen HL ACMG Specifications v1. Collection method: research. Allele origin: germline. Affected: yes.
Comment: PVS1;PM2_Supporting